The following is an entry in ClinVar:

NM_015267.4(CUX2):c.417C>T (p.Pro139=)

Gene: CUX2 (cut like homeobox 2; plus strand). Cytogenetic location: 12q24.11.
Variant type: single nucleotide variant.
Coding change: c.417C>T on transcript NM_015267.4 (MANE Select); coding-DNA position 417, C replaced by T.
Protein change: p.Pro139=; no amino-acid change (proline 139 retained).
Molecular consequence: synonymous variant.
Genome position (GRCh38, 1-based): chr12:111,291,533, C>T. VCF-style: chr12-111291533-C-T. GRCh37 (hg19) VCF-style: chr12-111729337-C-T.
Other names: c.231C>T, p.Pro77= (NM_001370598.1).
Identifiers: ClinVar variation 791321 (VCV000791321.29), dbSNP rs200963731, ClinGen allele CA6788344.

ClinVar aggregate classification (germline): Benign/Likely benign. Review status: criteria provided, multiple submitters, no conflicts (2 of 4 stars). 4 submissions from 4 submitters: Benign (1); Likely benign (2). 1 of the submissions does not count toward it. Last evaluated 2024-11-01.

Conditions:
CUX2-related disorder. Also called: CUX2-related condition.

Allele frequency attached by ClinVar (database versions not stated): gnomAD exomes 0.00012 and 0.00038; 1000 Genomes Project 30x 0.00031; 1000 Genomes Project 0.00040; ExAC 0.00042; gnomAD 0.00093 and 0.00101; ESP Exome Variant Server 0.00100; TOPMed 0.00105.
gnomAD v4.1: 323 of 1,610,520 alleles (0.02%); highest among the groups gnomAD compares: African/African-American, 0.31%; 2 homozygotes.

Submissions (4):

Blueprint Genetics
Classification: Likely benign. Last evaluated: 2024-11-01. Review status: criteria provided, single submitter. Criteria: ACMG Guidelines, 2015. Collection method: clinical testing. Allele origin: germline.

CeGaT Center for Human Genetics Tuebingen
Classification: Likely benign. Last evaluated: 2023-06-01. Review status: criteria provided, single submitter. Criteria: CeGaT Center For Human Genetics Tuebingen Variant Classification Criteria Version 2. Collection method: clinical testing. Allele origin: germline. Affected: yes. Observed: 1 variant allele.
Comment: CUX2: BP4, BP7

Labcorp Genetics (formerly Invitae), Labcorp
Classification: Benign. Last evaluated: 2019-12-31. Review status: criteria provided, single submitter. Criteria: Invitae Variant Classification Sherloc (09022015). Collection method: clinical testing. Allele origin: germline.

PreventionGenetics, part of Exact Sciences
Classification: Likely benign for CUX2-related condition. Last evaluated: 2024-07-01. Review status: no assertion criteria provided. Collection method: clinical testing. Allele origin: germline. Not counted in ClinVar's aggregate classification.
Comment: This variant is classified as likely benign based on ACMG/AMP sequence variant interpretation guidelines (Richards et al. 2015 PMID: 25741868, with internal and published modifications).